The following is an entry in ClinVar:

ClinVar aggregate classification (germline): Benign. Review status: criteria provided, single submitter (1 of 4 stars). 2 submissions from 2 submitters: Benign (1). 1 of the submissions does not count toward it. Last evaluated 2026-01-20.

Conditions:
CCDC88C-related disorder. Also called: CCDC88C-related condition; CCDC88C-Related Disorders.

Allele frequency attached by ClinVar (database versions not stated): gnomAD 0.00003 and 0.00016; TOPMed 0.00006; ESP Exome Variant Server 0.00016; gnomAD exomes 0.00032 and 0.00065; ExAC 0.00071; 1000 Genomes Project 30x 0.00109; 1000 Genomes Project 0.00120.

Submissions (2):

Labcorp Genetics (formerly Invitae), Labcorp
Classification: Benign. Last evaluated: 2026-01-20. Review status: criteria provided, single submitter. Criteria: Invitae Variant Classification Sherloc (09022015). Collection method: clinical testing. Allele origin: germline.

PreventionGenetics, part of Exact Sciences
Classification: Likely benign for CCDC88C-related condition. Last evaluated: 2019-05-01. Review status: no assertion criteria provided. Collection method: clinical testing. Allele origin: germline. Not counted in ClinVar's aggregate classification.
Comment: This variant is classified as likely benign based on ACMG/AMP sequence variant interpretation guidelines (Richards et al. 2015 PMID: 25741868, with internal and published modifications).

NM_001080414.4(CCDC88C):c.372G>A (p.Leu124=)

Gene: CCDC88C (coiled-coil and HOOK domain protein 88C; minus strand). Cytogenetic location: 14q32.11.
Variant type: single nucleotide variant.
Coding change: c.372G>A on transcript NM_001080414.4 (MANE Select); coding-DNA position 372, G replaced by A.
Protein change: p.Leu124=; no amino-acid change (leucine 124 retained).
Molecular consequence: synonymous variant.
Genome position (GRCh38, 1-based): chr14:91,343,626, C>T on the plus strand (G>A on the coding strand, the complement: CCDC88C is on the minus strand). VCF-style: chr14-91343626-C-T. GRCh37 (hg19) VCF-style: chr14-91809970-C-T.
Identifiers: ClinVar variation 797846 (VCV000797846.9), dbSNP rs373719057, ClinGen allele CA7310273.
Genomic context (GRCh38, chr14:91,343,626, plus strand): 5'-GGTCCCTCTGCTGCAGCCCTGCCCAATCCCTACCTGGACAGCACAGCCCAGCACCAGCAG[C>T]AGCACCTTCTTGATTTCCTCCATGCTCTTCCCTAGATCAAGAGAGCAACACATTTAACTC-3'
Protein context (NP_001073883.2, residues 114-134): GKSMEEIKKV[Leu124=]LLVLGCAVQC